The following is an entry in ClinVar:

NM_000441.2(SLC26A4):c.1105A>T (p.Lys369Ter)

Gene: SLC26A4 (solute carrier family 26 member 4; plus strand). Cytogenetic location: 7q22.3.
Variant type: single nucleotide variant.
Coding change: c.1105A>T on transcript NM_000441.2 (MANE Select); coding-DNA position 1105, A replaced by T.
Protein change: p.Lys369Ter; replaces lysine 369 with a stop codon.
Molecular consequence: nonsense.
Genome position (GRCh38, 1-based): chr7:107,689,156, A>T. VCF-style: chr7-107689156-A-T. GRCh37 (hg19) VCF-style: chr7-107329601-A-T.
Other names: short protein forms K369*.
Identifiers: ClinVar variation 553253 (VCV000553253.14), dbSNP rs121908361, ClinGen allele CA368838773.

ClinVar aggregate classification (germline): Pathogenic/Likely pathogenic. Review status: criteria provided, multiple submitters, no conflicts (2 of 4 stars). 4 submissions from 3 submitters: Pathogenic (1); Likely pathogenic (2). 1 of the submissions does not count toward it. Last evaluated 2022-02-16.

Conditions:
Autosomal recessive nonsyndromic hearing loss 4 (DFNB4). Also called: Enlarged vestibular aqueduct, digenic; FOXI1-Related Pendred Syndrome; KCNJ10-Related Pendred Syndrome; DEAFNESS, AUTOSOMAL RECESSIVE 4, WITH ENLARGED VESTIBULAR AQUEDUCT, DIGENIC; Deafness, autosomal recessive 4; Nonsyndromic enlarged vestibular aqueduct (NSEVA). Identifiers: Orphanet 90636, MedGen C3538946, MONDO:0010933, OMIM 600791.
Pendred syndrome (PDS). Also called: DEAFNESS WITH GOITER; GOITER-DEAFNESS SYNDROME; Pendred Syndrome (PDS); HYPOTHYROIDISM, CONGENITAL, DUE TO DYSHORMONOGENESIS, 2B; THYROID DYSHORMONOGENESIS 2B; THYROID HORMONOGENESIS, GENETIC DEFECT IN, 2B. Identifiers: Orphanet 705, MedGen C0271829, MONDO:0010134, OMIM 274600.

Submissions (4):

Labcorp Genetics (formerly Invitae), Labcorp
Classification: Pathogenic. Last evaluated: 2022-02-16. Review status: criteria provided, single submitter. Criteria: Invitae Variant Classification Sherloc (09022015). Collection method: clinical testing. Allele origin: germline.
Comment: For these reasons, this variant has been classified as Pathogenic. ClinVar contains an entry for this variant (Variation ID: 553253). This premature translational stop signal has been observed in individual(s) with SLC26A4-related conditions (PMID: 26397989, 30268946). This variant is not present in population databases (gnomAD no frequency). This sequence change creates a premature translational stop signal (p.Lys369*) in the SLC26A4 gene. It is expected to result in an absent or disrupted protein product. Loss-of-function variants in SLC26A4 are known to be pathogenic (PMID: 16283880, 25394566, 26252218, 26445815).

Genome-Nilou Lab
Classification: Likely pathogenic for Autosomal recessive nonsyndromic hearing loss 4. Last evaluated: 2021-09-05. Review status: criteria provided, single submitter. Criteria: ACMG Guidelines, 2015. Collection method: clinical testing. Allele origin: germline. Affected: no.

Genome-Nilou Lab
Classification: Likely pathogenic for Pendred syndrome. Last evaluated: 2021-09-05. Review status: criteria provided, single submitter. Criteria: ACMG Guidelines, 2015. Collection method: clinical testing. Allele origin: germline. Affected: no.

Counsyl
Classification: Likely pathogenic for Pendred syndrome. Last evaluated: 2017-08-09. Review status: no assertion criteria provided. Collection method: clinical testing. Allele origin: unknown. Not counted in ClinVar's aggregate classification.

Literature cited by the submitters: PubMed 26397989 (cited by Labcorp Genetics (formerly Invitae), Labcorp and Counsyl); PubMed 30268946 (cited by Labcorp Genetics (formerly Invitae), Labcorp); PubMed 16283880 (cited by Labcorp Genetics (formerly Invitae), Labcorp); PubMed 25394566 (cited by Labcorp Genetics (formerly Invitae), Labcorp); PubMed 26252218 (cited by Labcorp Genetics (formerly Invitae), Labcorp); PubMed 26445815 (cited by Labcorp Genetics (formerly Invitae), Labcorp).